The following is an entry in ClinVar:

ClinVar aggregate classification (germline): Uncertain significance. Review status: criteria provided, multiple submitters, no conflicts (2 of 4 stars). 2 submissions from 2 submitters: Uncertain significance (2). Last evaluated 2021-09-01.

Conditions:
Inborn genetic diseases. Identifiers: MedGen C0950123, MeSH D030342.
Hereditary spastic paraplegia 11. Also called: Spastic paraplegia, mental retardation and thin corpus callosum; Nakamura Osame syndrome; Autosomal recessive hereditary spastic paraplegia, mental impairment, and thin corpus callosum; SPASTIC PARAPLEGIA, AUTOSOMAL RECESSIVE, COMPLICATED, WITH THIN CORPUS CALLOSUM; SPASTIC PARAPLEGIA, AUTOSOMAL RECESSIVE, WITH MENTAL IMPAIRMENT AND THIN CORPUS CALLOSUM; Spastic Paraplegia 11. Identifiers: Orphanet 2822, MedGen C1858479, MONDO:0011445, OMIM 604360.

Allele frequency attached by ClinVar (database versions not stated): gnomAD exomes 0.00001.

Submissions (2):

Labcorp Genetics (formerly Invitae), Labcorp
Classification: Uncertain significance for Hereditary spastic paraplegia 11. Last evaluated: 2021-09-01. Review status: criteria provided, single submitter. Criteria: Invitae Variant Classification Sherloc (09022015). Collection method: clinical testing. Allele origin: germline.
Comment: This sequence change replaces tryptophan with leucine at codon 1033 of the SPG11 protein (p.Trp1033Leu). The tryptophan residue is highly conserved and there is a small physicochemical difference between tryptophan and leucine. This variant is not present in population databases (ExAC no frequency). This variant has not been reported in the literature in individuals affected with SPG11-related conditions. Algorithms developed to predict the effect of missense changes on protein structure and function are either unavailable or do not agree on the potential impact of this missense change (SIFT: "Tolerated"; PolyPhen-2: "Possibly Damaging"; Align-GVGD: "Class C0"). In summary, the available evidence is currently insufficient to determine the role of this variant in disease. Therefore, it has been classified as a Variant of Uncertain Significance.

Ambry Genetics
Classification: Uncertain significance for Inborn genetic diseases. Last evaluated: 2019-12-20. Review status: criteria provided, single submitter. Criteria: Ambry Variant Classification Scheme 2023. Collection method: clinical testing. Allele origin: germline.
Comment: The p.W1033L variant (also known as c.3098G>T), located in coding exon 17 of the SPG11 gene, results from a G to T substitution at nucleotide position 3098. The tryptophan at codon 1033 is replaced by leucine, an amino acid with similar properties. This amino acid position is highly conserved in available vertebrate species. In addition, the in silico prediction for this alteration is inconclusive. Since supporting evidence is limited at this time, the clinical significance of this alteration remains unclear.

NM_025137.4(SPG11):c.3098G>T (p.Trp1033Leu)

Gene: SPG11 (SPG11 vesicle trafficking associated, spatacsin; minus strand). Cytogenetic location: 15q21.1.
Variant type: single nucleotide variant.
Coding change: c.3098G>T on transcript NM_025137.4 (MANE Select); coding-DNA position 3098, G replaced by T.
Protein change: p.Trp1033Leu; replaces tryptophan 1033 with leucine.
Molecular consequence: missense variant.
Genome position (GRCh38, 1-based): chr15:44,613,477, C>A on the plus strand (G>T on the coding strand, the complement: SPG11 is on the minus strand). VCF-style: chr15-44613477-C-A. GRCh37 (hg19) VCF-style: chr15-44905675-C-A.
Other names: c.3098G>T, p.Trp1033Leu (NM_001160227.2); short protein forms W1033L.
Identifiers: ClinVar variation 665445 (VCV000665445.9), dbSNP rs1595881991, ClinGen allele CA392228491.